The following is an entry in ClinVar:

NM_017534.6(MYH2):c.2998A>G (p.Lys1000Glu)

Genes: MYH2 (myosin heavy chain 2; minus strand), MYHAS (myosin heavy chain gene cluster antisense RNA; plus strand). Cytogenetic location: 17p13.1.
Variant type: single nucleotide variant.
Coding change: c.2998A>G on transcript NM_017534.6 (MANE Select); coding-DNA position 2998, A replaced by G.
Protein change: p.Lys1000Glu; replaces lysine 1000 with glutamic acid.
Molecular consequence: missense variant.
Genome position (GRCh38, 1-based): chr17:10,529,683, T>C on the plus strand (A>G on the coding strand, the complement: MYH2 is on the minus strand). VCF-style: chr17-10529683-T-C. GRCh37 (hg19) VCF-style: chr17-10433000-T-C.
Other names: c.2998A>G, p.Lys1000Glu (NM_001100112.2); short protein forms K1000E.
Identifiers: ClinVar variation 1723674 (VCV001723674.2), dbSNP rs1481493752, ClinGen allele CA398140511.

ClinVar aggregate classification (germline): Uncertain significance (1 of 4 stars; one submission).

Allele frequency attached by ClinVar (database versions not stated): gnomAD exomes below 0.00001; TOPMed below 0.00001; gnomAD 0.00001.
gnomAD v4.1: 2 of 1,613,894 alleles (0.00012%); highest among the groups gnomAD compares: African/African-American, 0.0027%; no homozygotes.

Submission:

GeneDx
Classification: Uncertain significance. Last evaluated: 2022-05-10. Review status: criteria provided, single submitter. Criteria: GeneDx Variant Classification Process June 2021. Collection method: clinical testing. Allele origin: germline. Affected: yes.
Comment: Has not been previously published as pathogenic or benign to our knowledge; In silico analysis supports that this missense variant has a deleterious effect on protein structure/function; Not observed at significant frequency in large population cohorts (gnomAD)